The following is an entry in ClinVar:

NM_006070.6(TFG):c.268G>A (p.Val90Ile)

Gene: TFG (trafficking from ER to golgi regulator; plus strand). Cytogenetic location: 3q12.2.
Variant type: single nucleotide variant.
Coding change: c.268G>A on transcript NM_006070.6 (MANE Select); coding-DNA position 268, G replaced by A.
Protein change: p.Val90Ile; replaces valine 90 with isoleucine.
Molecular consequence: missense variant.
Genome position (GRCh38, 1-based): chr3:100,720,058, G>A. VCF-style: chr3-100720058-G-A. GRCh37 (hg19) VCF-style: chr3-100438902-G-A.
Other names: c.268G>A, p.Val90Ile (NM_001007565.2, NM_001195478.2, NM_001195479.2); short protein forms V90I.
Identifiers: ClinVar variation 851188 (VCV000851188.9), dbSNP rs1468380372, ClinGen allele CA353839724.

ClinVar aggregate classification (germline): Uncertain significance (1 of 4 stars; one submission).

Conditions:
Hereditary motor and sensory neuropathy, Okinawa type (HMSNO). Also called: HEREDITARY MOTOR AND SENSORY NEUROPATHY, PROXIMAL TYPE. Identifiers: Orphanet 90117, MedGen C1858338, MONDO:0011468, OMIM 604484.
Hereditary spastic paraplegia 57. Also called: Spastic paraplegia 57, autosomal recessive. Identifiers: Orphanet 431329, MedGen C3714897, MONDO:0014295, OMIM 615658.

Allele frequency attached by ClinVar (database versions not stated): gnomAD exomes below 0.00001; gnomAD 0.00001; TOPMed 0.00001.
gnomAD v4.1: 3 of 1,529,462 alleles (0.0002%); highest among the groups gnomAD compares: Non-Finnish European, 0.00027%; no homozygotes.

Submission:

Labcorp Genetics (formerly Invitae), Labcorp
Classification: Uncertain significance for Hereditary motor and sensory neuropathy, Okinawa type; Hereditary spastic paraplegia 57. Last evaluated: 2023-04-22. Review status: criteria provided, single submitter. Criteria: Invitae Variant Classification Sherloc (09022015). Collection method: clinical testing. Allele origin: germline.
Comment: This variant has not been reported in the literature in individuals affected with TFG-related conditions. ClinVar contains an entry for this variant (Variation ID: 851188). An algorithm developed to predict the effect of missense changes on protein structure and function (PolyPhen-2) suggests that this variant is likely to be disruptive. Variants that disrupt the consensus splice site are a relatively common cause of aberrant splicing (PMID: 17576681, 9536098). Algorithms developed to predict the effect of sequence changes on RNA splicing suggest that this variant may disrupt the consensus splice site. In summary, the available evidence is currently insufficient to determine the role of this variant in disease. Therefore, it has been classified as a Variant of Uncertain Significance. This variant is not present in population databases (gnomAD no frequency). This sequence change replaces valine, which is neutral and non-polar, with isoleucine, which is neutral and non-polar, at codon 90 of the TFG protein (p.Val90Ile). This variant also falls at the last nucleotide of exon 3, which is part of the consensus splice site for this exon.

Literature cited by the submitters: PubMed 17576681; PubMed 9536098.